The following is an entry in ClinVar:

NM_153676.4(USH1C):c.1531-11A>G

Gene: USH1C (USH1 protein network component harmonin; minus strand). Cytogenetic location: 11p15.1.
Variant type: single nucleotide variant.
Coding change: c.1531-11A>G on transcript NM_153676.4 (MANE Select); 11 bases into the intron before coding-DNA position 1531, A replaced by G.
Molecular consequence: intron variant.
Genome position (GRCh38, 1-based): chr11:17,509,849, T>C on the plus strand (A>G on the coding strand, the complement: USH1C is on the minus strand). VCF-style: chr11-17509849-T-C. GRCh37 (hg19) VCF-style: chr11-17531396-T-C.
Other names: c.1227+7552A>G (NM_001297764.2); c.1284+7552A>G (NM_005709.4).
Identifiers: ClinVar variation 47980 (VCV000047980.6), dbSNP rs397517872, ClinGen allele CA142302.
Genomic context (GRCh38, chr11:17,509,849, plus strand): 5'-GGGGCCAGGGGAGACACAGAAGGCGGGGGAGGCGGGGGCCCTGTGGTCATCTGGGGGTGT[T>C]GCAAGGAAGTTCTGTAATTGTCACTCTGCTTAGAGCTCCACTTCACAATACAGCGAGCAC-3'

ClinVar aggregate classification (germline): Likely benign. Review status: criteria provided, single submitter (1 of 4 stars). 2 submissions from 2 submitters: Likely benign (1). 1 of the submissions does not count toward it. Last evaluated 2012-07-23.

Conditions:
Autosomal recessive nonsyndromic hearing loss 18A. Also called: DEAFNESS, AUTOSOMAL RECESSIVE 18; Deafness, autosomal recessive 18A. Identifiers: Orphanet 90636, MedGen C1865870, MONDO:0011192, OMIM 602092.
Usher syndrome type 1C. Also called: USHER SYNDROME, TYPE I, ACADIAN VARIETY. Identifiers: Orphanet 231169, Orphanet 886, MedGen C1848604, MONDO:0010171, OMIM 276904.

Allele frequency attached by ClinVar (database versions not stated): gnomAD exomes below 0.00001 and 0.00001; gnomAD 0.00001.
gnomAD v4.1: 3 of 1,587,986 alleles (0.00019%); highest among the groups gnomAD compares: East Asian, 0.0067%; no homozygotes.

Submissions (2):

Laboratory for Molecular Medicine, Mass General Brigham Personalized Medicine
Classification: Likely benign. Last evaluated: 2012-07-23. Review status: criteria provided, single submitter. Criteria: LMM Criteria. Collection method: clinical testing. Allele origin: germline. Observed: 1 variant allele.
Comment: 1531-11A>G in intron 17 of USH1C: This variant is not expected to have clinical significance because it is not located within the conserved region of the splice consensus sequence.

Counsyl
Classification: Likely benign for Usher syndrome type 1C; Autosomal recessive nonsyndromic hearing loss 18A. Last evaluated: 2017-03-02. Review status: no assertion criteria provided. Collection method: clinical testing. Allele origin: unknown. Not counted in ClinVar's aggregate classification.